The following is an entry in ClinVar:

ClinVar aggregate classification (germline): Likely benign (1 of 4 stars; one submission).

gnomAD v4.1: 2 of 1,614,110 alleles (0.00012%); highest among the groups gnomAD compares: Non-Finnish European, 0.00017%; no homozygotes.

Submission:

CeGaT Center for Human Genetics Tuebingen
Classification: Likely benign. Last evaluated: 2025-10-01. Review status: criteria provided, single submitter. Criteria: CeGaT Center For Human Genetics Tuebingen Variant Classification Criteria Version 2. Collection method: clinical testing. Allele origin: germline. Affected: yes. Observed: 1 variant allele.
Comment: KDM5A: BP4, BP7

NM_001042603.3(KDM5A):c.1521A>G (p.Pro507=)

Gene: KDM5A (lysine demethylase 5A; minus strand). Cytogenetic location: 12p13.33.
Variant type: single nucleotide variant.
Coding change: c.1521A>G on transcript NM_001042603.3 (MANE Select); coding-DNA position 1521, A replaced by G.
Protein change: p.Pro507=; no amino-acid change (proline 507 retained).
Molecular consequence: synonymous variant.
Genome position (GRCh38, 1-based): chr12:333,619, T>C on the plus strand (A>G on the coding strand, the complement: KDM5A is on the minus strand). VCF-style: chr12-333619-T-C. GRCh37 (hg19) VCF-style: chr12-442785-T-C.
Identifiers: ClinVar variation 4534039 (VCV004534039.6).
Genomic context (GRCh38, chr12:333,619, plus strand): 5'-TTCAAATAACTCGGGGGCCAGCTCTCTCATCACCTCCTCCAGTTGCTCTGCAGCATGAGA[T>C]GGCACACCATACCATGTCTTTGGCTCCCCCCTAGCAAAAGAAGTAACTGTTTAGCTAGGC-3'
Protein context (NP_001036068.1, residues 497-517): WGEPKTWYGV[Pro507=]SHAAEQLEEV